The following is an entry in ClinVar:

NM_007294.4(BRCA1):c.5206G>A (p.Val1736Ile)

Gene: BRCA1 (BRCA1 DNA repair associated; minus strand). Cytogenetic location: 17q21.31.
Variant type: single nucleotide variant.
Coding change: c.5206G>A on transcript NM_007294.4 (MANE Select); coding-DNA position 5206, G replaced by A.
Protein change: p.Val1736Ile; replaces valine 1736 with isoleucine.
Molecular consequence: missense variant. On other transcripts: non-coding transcript variant (1).
Genome position (GRCh38, 1-based): chr17:43,057,123, C>T on the plus strand (G>A on the coding strand, the complement: BRCA1 is on the minus strand). VCF-style: chr17-43057123-C-T. GRCh37 (hg19) VCF-style: chr17-41209140-C-T.
Other names: c.4993G>A, p.Val1665Ile (NM_001407571.1, NM_001407900.1, NM_001407902.1 and 12 more transcripts); c.5272G>A, p.Val1758Ile (NM_001407581.1, NM_001407582.1); c.5269G>A, p.Val1757Ile (NM_001407583.1, NM_001407585.1, NM_001407587.1 and 1 more transcripts); c.5203G>A, p.Val1735Ile (NM_001407610.1, NM_001407611.1, NM_001407612.1 and 17 more transcripts); c.5200G>A, p.Val1734Ile (NM_001407629.1, NM_001407630.1, NM_001407631.1 and 14 more transcripts); c.5146G>A, p.Val1716Ile (NM_001407649.1); c.5128G>A, p.Val1710Ile (NM_001407652.1, NM_001407653.1, NM_001407654.1 and 1 more transcripts); c.5125G>A, p.Val1709Ile (NM_001407656.1, NM_001407657.1, NM_001407658.1); and 72 more; short protein forms V1736I, V1689I, V1757I, V632I, V1440I, V1567I, V1668I, V1669I.
Identifiers: ClinVar variation 867518 (VCV000867518.3), dbSNP rs377595653, ClinGen allele CA10591124.

Conditions:
Breast-ovarian cancer, familial, susceptibility to, 1 (BROVCA1). Also called: BRCA1 Hereditary Breast and Ovarian Cancer; OVARIAN CANCER, SUSCEPTIBILITY TO. Identifiers: Orphanet 145, MedGen C2676676, MONDO:0011450, OMIM 604370. Disease mechanism: loss of function.

Submission:

Brotman Baty Institute, University of Washington
No classification provided (evidence only). Condition: Breast-ovarian cancer, familial 1. Review status: no classification provided. Collection method: in vitro. Allele origin: not applicable. Functional consequence: functionally_normal.
ClinVar note: "not provided" was previously submitted as the classification for the variant. However, the classification appeared to be based only on an observation of functional data so it was converted to no classification on 2025-07-30.